The following is an entry in ClinVar:

ClinVar aggregate classification (germline): Uncertain significance. Review status: criteria provided, multiple submitters, no conflicts (2 of 4 stars). 2 submissions from 2 submitters: Uncertain significance (2). Last evaluated 2026-07-01.

Allele frequency attached by ClinVar (database versions not stated): TOPMed 0.00001; ExAC 0.00002; gnomAD exomes 0.00002; ESP Exome Variant Server 0.00008.

Submissions (2):

CeGaT Center for Human Genetics Tuebingen
Classification: Uncertain significance. Last evaluated: 2026-07-01. Review status: criteria provided, single submitter. Criteria: CeGaT Center For Human Genetics Tuebingen Variant Classification Criteria Version 2. Collection method: clinical testing. Allele origin: germline. Affected: yes. Observed: 1 variant allele.
Comment: BUD23: PM2, BP4

Ambry Genetics
Classification: Uncertain significance. Last evaluated: 2022-02-17. Review status: criteria provided, single submitter. Criteria: Ambry Variant Classification Scheme 2023. Collection method: clinical testing. Allele origin: germline.

NM_017528.5(BUD23):c.838C>T (p.Arg280Cys)

Gene: BUD23 (BUD23 rRNA methyltransferase and ribosome maturation factor; plus strand). Cytogenetic location: 7q11.23.
Variant type: single nucleotide variant.
Coding change: c.838C>T on transcript NM_017528.5 (MANE Select); coding-DNA position 838, C replaced by T.
Protein change: p.Arg280Cys; replaces arginine 280 with cysteine.
Molecular consequence: missense variant. On other transcripts: non-coding transcript variant (2).
Genome position (GRCh38, 1-based): chr7:73,697,878, C>T. VCF-style: chr7-73697878-C-T. GRCh37 (hg19) VCF-style: chr7-73112208-C-T.
Other names: c.889C>T, p.Arg297Cys (NM_001202560.3); short protein forms R280C, R297C.
Identifiers: ClinVar variation 3135634 (VCV003135634.2), dbSNP rs139003627, ClinGen allele CA4290503.